The following is an entry in ClinVar:

ClinVar aggregate classification (germline): Uncertain significance (1 of 4 stars; one submission).

Conditions:
Long QT syndrome (LQTS). Identifiers: MedGen C0023976, MeSH D008133, MONDO:0002442. Disease mechanism: loss of function. Inheritance: Various modes of inheritance.

Submission:

Labcorp Genetics (formerly Invitae), Labcorp
Classification: Uncertain significance for Long QT syndrome. Last evaluated: 2024-04-29. Review status: criteria provided, single submitter. Criteria: Invitae Variant Classification Sherloc (09022015). Collection method: clinical testing. Allele origin: germline.
Comment: This sequence change replaces threonine, which is neutral and polar, with asparagine, which is neutral and polar, at codon 1721 of the CACNA1C protein (p.Thr1721Asn). This variant is not present in population databases (gnomAD no frequency). This variant has not been reported in the literature in individuals affected with CACNA1C-related conditions. Advanced modeling of protein sequence and biophysical properties (such as structural, functional, and spatial information, amino acid conservation, physicochemical variation, residue mobility, and thermodynamic stability) performed at Invitae indicates that this missense variant is not expected to disrupt CACNA1C protein function with a negative predictive value of 95%. In summary, the available evidence is currently insufficient to determine the role of this variant in disease. Therefore, it has been classified as a Variant of Uncertain Significance.

NM_000719.7(CACNA1C):c.5162C>A (p.Thr1721Asn)

Genes: CACNA1C (calcium voltage-gated channel subunit alpha1 C; plus strand), CACNA1C-AS1 (CACNA1C antisense RNA 1; minus strand). Cytogenetic location: 12p13.33.
Variant type: single nucleotide variant.
Coding change: c.5162C>A on transcript NM_000719.7 (MANE Select); coding-DNA position 5162, C replaced by A.
Protein change: p.Thr1721Asn; replaces threonine 1721 with asparagine.
Molecular consequence: missense variant.
Genome position (GRCh38, 1-based): chr12:2,679,514, C>A. VCF-style: chr12-2679514-C-A. GRCh37 (hg19) VCF-style: chr12-2788680-C-A.
Other names: c.5306C>A, p.Thr1769Asn (NM_001129827.2, NM_199460.4); c.5285C>A, p.Thr1762Asn (NM_001129829.2); c.5162C>A, p.Thr1721Asn (NM_001129830.3, NM_001167623.2, NM_001167624.3 and 4 more transcripts); c.5246C>A, p.Thr1749Asn (NM_001129831.2); c.5222C>A, p.Thr1741Asn (NM_001129832.2); c.5219C>A, p.Thr1740Asn (NM_001129833.2, NM_001129834.2, NM_001129835.2); c.5153C>A, p.Thr1718Asn (NM_001129844.2); c.5129C>A, p.Thr1710Asn (NM_001129846.2, NM_001167625.2); and 3 more; short protein forms T1710N, T1718N, T1721N, T1749N, T1727N, T1738N, T1740N, T1762N.
Identifiers: ClinVar variation 3651463 (VCV003651463.2).